The following is an entry in ClinVar:

ClinVar aggregate classification (germline): Uncertain significance (1 of 4 stars; one submission).

Submission:

Labcorp Genetics (formerly Invitae), Labcorp
Classification: Uncertain significance. Last evaluated: 2022-03-10. Review status: criteria provided, single submitter. Criteria: Invitae Variant Classification Sherloc (09022015). Collection method: clinical testing. Allele origin: germline.
Comment: This variant is not present in population databases (gnomAD no frequency). This sequence change replaces methionine, which is neutral and non-polar, with arginine, which is basic and polar, at codon 276 of the SLC24A1 protein (p.Met276Arg). This variant has not been reported in the literature in individuals affected with SLC24A1-related conditions. In summary, the available evidence is currently insufficient to determine the role of this variant in disease. Therefore, it has been classified as a Variant of Uncertain Significance. Algorithms developed to predict the effect of missense changes on protein structure and function (SIFT, PolyPhen-2, Align-GVGD) all suggest that this variant is likely to be tolerated.

NM_004727.3(SLC24A1):c.827T>G (p.Met276Arg)

Gene: SLC24A1 (solute carrier family 24 member 1; plus strand). Cytogenetic location: 15q22.31.
Variant type: single nucleotide variant.
Coding change: c.827T>G on transcript NM_004727.3 (MANE Select); coding-DNA position 827, T replaced by G.
Protein change: p.Met276Arg; replaces methionine 276 with arginine.
Molecular consequence: missense variant.
Genome position (GRCh38, 1-based): chr15:65,624,907, T>G. VCF-style: chr15-65624907-T-G. GRCh37 (hg19) VCF-style: chr15-65917245-T-G.
Other names: c.827T>G, p.Met276Arg (NM_001301031.1, NM_001301032.1, NM_001301033.2); short protein forms M276R.
Identifiers: ClinVar variation 1507420 (VCV001507420.8), dbSNP rs2141463926, ClinGen allele CA392915492.
Genomic context (GRCh38, chr15:65,624,907, plus strand): 5'-CCCCAACTTTTCTGACACATGAGGTAGAAGCAAACGTCTTGACTTCTCCAAGGAGCGTCA[T>G]GGAAAAAAACAACCTGTTTCCCCCCAGAAGAGTGGAAAGTAACAGCTCAGCCCATCCCTG-3'
Protein context (NP_004718.1, residues 266-286): ANVLTSPRSV[Met276Arg]EKNNLFPPRR